The following is an entry in ClinVar:

NM_015102.5(NPHP4):c.2681A>G (p.His894Arg)

Gene: NPHP4 (nephrocystin 4; minus strand). Cytogenetic location: 1p36.31.
Variant type: single nucleotide variant.
Coding change: c.2681A>G on transcript NM_015102.5 (MANE Select); coding-DNA position 2681, A replaced by G.
Protein change: p.His894Arg; replaces histidine 894 with arginine.
Molecular consequence: missense variant. On other transcripts: non-coding transcript variant (1).
Genome position (GRCh38, 1-based): chr1:5,877,229, T>C on the plus strand (A>G on the coding strand, the complement: NPHP4 is on the minus strand). VCF-style: chr1-5877229-T-C. GRCh37 (hg19) VCF-style: chr1-5937289-T-C.
Other names: p.His894Arg; c.1142A>G, p.His381Arg (NM_001291593.2); c.1145A>G, p.His382Arg (NM_001291594.2); short protein forms H894R, H382R, H381R.
Identifiers: ClinVar variation 462717 (VCV000462717.17), dbSNP rs113097479, ClinGen allele CA553969.
Genomic context (GRCh38, chr1:5,877,229, plus strand): 5'-CGCCTGCGGGTGGCATCCGACTCGCGGCTGACGTCCTGGGGCCCCTTGCCCTGCCGGGCA[T>C]GGGTCAGTAGCATGGCAGCCAGCTCACTGTCCACGTCCGCCAGCTTCTGTGCTTGCACCA-3'
Protein context (NP_055917.1, residues 884-904): DSELAAMLLT[His894Arg]ARQGKGPQDV

ClinVar aggregate classification (germline): Benign/Likely benign. Review status: criteria provided, multiple submitters, no conflicts (2 of 4 stars). 5 submissions from 4 submitters: Benign (2); Likely benign (3). Last evaluated 2026-01-27.

Conditions:
Senior-Loken syndrome 4 (SLSN4). Identifiers: Orphanet 3156, MedGen C1846979, MONDO:0011756, OMIM 606996.
Nephronophthisis. Also called: Juvenile Nephronophthisis. Identifiers: Orphanet 655, MedGen C0687120, MONDO:0019005, HP:0000090.
Nephronophthisis 4 (NPHP4). Also called: NEPHRONOPHTHISIS 4, JUVENILE. Identifiers: Orphanet 655, MedGen C1847013, MONDO:0011752, OMIM 606966.

Allele frequency attached by ClinVar (database versions not stated): gnomAD 0.00383 and 0.00418; ESP Exome Variant Server 0.00397; TOPMed 0.00425; gnomAD exomes 0.00031 and 0.00080; ExAC 0.00130; 1000 Genomes Project 0.00220; 1000 Genomes Project 30x 0.00281.
gnomAD v4.1: 1,056 of 1,608,998 alleles (0.066%); highest among the groups gnomAD compares: African/African-American, 1.3%; 5 homozygotes.

Submissions (5):

Labcorp Genetics (formerly Invitae), Labcorp
Classification: Benign for Nephronophthisis. Last evaluated: 2026-01-27. Review status: criteria provided, single submitter. Criteria: Invitae Variant Classification Sherloc (09022015). Collection method: clinical testing. Allele origin: germline.

Mayo Clinic Laboratories, Mayo Clinic
Classification: Likely benign. Last evaluated: 2025-04-29. Review status: criteria provided, single submitter. Criteria: ACMG Guidelines, 2015. Collection method: clinical testing. Allele origin: germline. Observed: 3 variant alleles.
Comment: BA1, BP4

Blueprint Genetics
Classification: Likely benign. Last evaluated: 2024-11-11. Review status: criteria provided, single submitter. Criteria: ACMG Guidelines, 2015. Collection method: clinical testing. Allele origin: germline.

Illumina Laboratory Services, Illumina
Classification: Likely benign for Nephronophthisis 4. Last evaluated: 2018-01-12. Review status: criteria provided, single submitter. Criteria: ICSL Variant Classification Criteria 13 December 2019. Collection method: clinical testing. Allele origin: germline.
Comment: This variant was observed in the ICSL laboratory as part of a predisposition screen in an ostensibly healthy population. It had not been previously curated by ICSL or reported in the Human Gene Mutation Database (HGMD: prior to June 1st, 2018), and was therefore a candidate for classification through an automated scoring system. Utilizing variant allele frequency, disease prevalence and penetrance estimates, and inheritance mode, an automated score was calculated to assess if this variant is too frequent to cause the disease. Based on the score and internal cut-off values, a variant classified as likely benign is not then subjected to further curation. The score for this variant resulted in a classification of likely benign for this disease.

Illumina Laboratory Services, Illumina
Classification: Benign for Senior-Loken syndrome 4. Last evaluated: 2018-01-12. Review status: criteria provided, single submitter. Criteria: ICSL Variant Classification Criteria 13 December 2019. Collection method: clinical testing. Allele origin: germline.
Comment: This variant was observed in the ICSL laboratory as part of a predisposition screen in an ostensibly healthy population. It had not been previously curated by ICSL or reported in the Human Gene Mutation Database (HGMD: prior to June 1st, 2018), and was therefore a candidate for classification through an automated scoring system. Utilizing variant allele frequency, disease prevalence and penetrance estimates, and inheritance mode, an automated score was calculated to assess if this variant is too frequent to cause the disease. Based on the score and internal cut-off values, a variant classified as benign is not then subjected to further curation. The score for this variant resulted in a classification of benign for this disease.